The following is an entry in ClinVar:

NM_177438.3(DICER1):c.1055T>A (p.Leu352Gln)

Gene: DICER1 (dicer 1, ribonuclease III; minus strand). Cytogenetic location: 14q32.13.
Variant type: single nucleotide variant.
Coding change: c.1055T>A on transcript NM_177438.3 (MANE Select); coding-DNA position 1055, T replaced by A.
Protein change: p.Leu352Gln; replaces leucine 352 with glutamine.
Molecular consequence: missense variant. On other transcripts: 5 prime UTR variant (1), non-coding transcript variant (6).
Genome position (GRCh38, 1-based): chr14:95,124,517, A>T on the plus strand (T>A on the coding strand, the complement: DICER1 is on the minus strand). VCF-style: chr14-95124517-A-T. GRCh37 (hg19) VCF-style: chr14-95590854-A-T.
Other names: c.1055T>A, p.Leu352Gln (NM_001195573.1, NM_001271282.3, NM_001291628.2 and 15 more transcripts); c.773T>A, p.Leu258Gln (NM_001395686.1); c.650T>A, p.Leu217Gln (NM_001395687.1, NM_001395688.1, NM_001395689.1 and 3 more transcripts); c.488T>A, p.Leu163Gln (NM_001395691.1); c.-514T>A (NM_001395697.1); short protein forms L258Q, L217Q, L163Q, L352Q.
Identifiers: ClinVar variation 1778426 (VCV001778426.2), dbSNP rs2543182758, ClinGen allele CA390887060.

ClinVar aggregate classification (germline): Uncertain significance (1 of 4 stars; one submission).

Conditions:
Hereditary cancer-predisposing syndrome. Also called: Neoplastic Syndromes, Hereditary; Tumor predisposition; Hereditary Cancer Syndrome; Hereditary neoplastic syndrome. Identifiers: Orphanet 140162, MedGen C0027672, MeSH D009386, MONDO:0015356.

Submission:

Ambry Genetics
Classification: Uncertain significance for Hereditary cancer-predisposing syndrome. Last evaluated: 2021-02-10. Review status: criteria provided, single submitter. Criteria: Ambry Variant Classification Scheme 2023. Collection method: clinical testing. Allele origin: germline.
Comment: The p.L352Q variant (also known as c.1055T>A), located in coding exon 7 of the DICER1 gene, results from a T to A substitution at nucleotide position 1055. The leucine at codon 352 is replaced by glutamine, an amino acid with dissimilar properties. This amino acid position is highly conserved in available vertebrate species. In addition, this alteration is predicted to be deleterious by in silico analysis. Since supporting evidence is limited at this time, the clinical significance of this alteration remains unclear.